The following is an entry in ClinVar:

ClinVar aggregate classification (germline): Uncertain significance. Review status: criteria provided, multiple submitters, no conflicts (2 of 4 stars). 2 submissions from 2 submitters: Uncertain significance (2). Last evaluated 2025-12-15.

gnomAD v4.1: 23 of 1,607,866 alleles (0.0014%); highest among the groups gnomAD compares: Admixed American, 0.013%; no homozygotes.

Submissions (2):

Labcorp Genetics (formerly Invitae), Labcorp
Classification: Uncertain significance. Last evaluated: 2025-12-15. Review status: criteria provided, single submitter. Criteria: Invitae Variant Classification Sherloc (09022015). Collection method: clinical testing. Allele origin: germline.
Comment: This sequence change replaces valine, which is neutral and non-polar, with methionine, which is neutral and non-polar, at codon 418 of the SLC12A2 protein (p.Val418Met). This variant is present in population databases (rs768407146, gnomAD 0.02%). This variant has not been reported in the literature in individuals affected with SLC12A2-related conditions. ClinVar contains an entry for this variant (Variation ID: 3774070). Invitae Evidence Modeling of protein sequence and biophysical properties (such as structural, functional, and spatial information, amino acid conservation, physicochemical variation, residue mobility, and thermodynamic stability) indicates that this missense variant is not expected to disrupt SLC12A2 protein function with a negative predictive value of 80%. In summary, the available evidence is currently insufficient to determine the role of this variant in disease. Therefore, it has been classified as a Variant of Uncertain Significance.

GeneDx
Classification: Uncertain significance. Last evaluated: 2024-09-19. Review status: criteria provided, single submitter. Criteria: GeneDx Variant Classification Process June 2021. Collection method: clinical testing. Allele origin: germline. Affected: yes.
Comment: In silico analysis indicates that this missense variant does not alter protein structure/function; Has not been previously published as pathogenic or benign to our knowledge

NM_001046.3(SLC12A2):c.1252G>A (p.Val418Met)

Gene: SLC12A2 (solute carrier family 12 member 2; plus strand). Cytogenetic location: 5q23.3.
Variant type: single nucleotide variant.
Coding change: c.1252G>A on transcript NM_001046.3 (MANE Select); coding-DNA position 1252, G replaced by A.
Protein change: p.Val418Met; replaces valine 418 with methionine.
Molecular consequence: missense variant. On other transcripts: non-coding transcript variant (1).
Genome position (GRCh38, 1-based): chr5:128,134,228, G>A. VCF-style: chr5-128134228-G-A. GRCh37 (hg19) VCF-style: chr5-127469920-G-A.
Other names: c.1252G>A, p.Val418Met (NM_001256461.2); short protein forms V418M.
Identifiers: ClinVar variation 3774070 (VCV003774070.2).
Genomic context (GRCh38, chr5:128,134,228, plus strand): 5'-CATTCCATACTTATGATAGATGAAATCAATGATATCCGAATTATTGGAGCCATTACAGTC[G>A]TGATTCTTTTAGGTATCTCAGTAGCTGGAATGGAGTGGGAAGCAAAAGTAAGTTATGATA-3'
Protein context (NP_001037.1, residues 408-428): DIRIIGAITV[Val418Met]ILLGISVAGM